The following is an entry in ClinVar:

NM_001184.4(ATR):c.6296C>T (p.Thr2099Ile)

Gene: ATR (ATR checkpoint kinase; minus strand). Cytogenetic location: 3q23.
Variant type: single nucleotide variant.
Coding change: c.6296C>T on transcript NM_001184.4 (MANE Select); coding-DNA position 6296, C replaced by T.
Protein change: p.Thr2099Ile; replaces threonine 2099 with isoleucine.
Molecular consequence: missense variant.
Genome position (GRCh38, 1-based): chr3:142,470,109, G>A on the plus strand (C>T on the coding strand, the complement: ATR is on the minus strand). VCF-style: chr3-142470109-G-A. GRCh37 (hg19) VCF-style: chr3-142188951-G-A.
Other names: c.6104C>T, p.Thr2035Ile (NM_001354579.2); short protein forms T2035I, T2099I.
Identifiers: ClinVar variation 3221246 (VCV003221246.1), dbSNP rs2473073855, ClinGen allele CA354805589.

ClinVar aggregate classification (germline): Uncertain significance (1 of 4 stars; one submission).

Conditions:
Inborn genetic diseases. Identifiers: MedGen C0950123, MeSH D030342.

Submission:

Ambry Genetics
Classification: Uncertain significance for Inborn genetic diseases. Last evaluated: 2023-11-11. Review status: criteria provided, single submitter. Criteria: Ambry Variant Classification Scheme 2023. Collection method: clinical testing. Allele origin: germline.
Comment: The p.T2099I variant (also known as c.6296C>T), located in coding exon 37 of the ATR gene, results from a C to T substitution at nucleotide position 6296. The threonine at codon 2099 is replaced by isoleucine, an amino acid with similar properties. This amino acid position is conserved. In addition, this alteration is predicted to be tolerated by in silico analysis. Since supporting evidence is limited at this time, the clinical significance of this alteration remains unclear.